The following is an entry in ClinVar:

NM_002834.5(PTPN11):c.1579C>T (p.Arg527Cys)

Gene: PTPN11 (protein tyrosine phosphatase non-receptor type 11; plus strand). Cytogenetic location: 12q24.13.
Variant type: single nucleotide variant.
Coding change: c.1579C>T on transcript NM_002834.5 (MANE Select); coding-DNA position 1579, C replaced by T.
Protein change: p.Arg527Cys; replaces arginine 527 with cysteine.
Molecular consequence: missense variant.
Genome position (GRCh38, 1-based): chr12:112,489,155, C>T. VCF-style: chr12-112489155-C-T. GRCh37 (hg19) VCF-style: chr12-112926959-C-T.
Other names: p.Arg527Cys; c.1591C>T, p.Arg531Cys (NM_001330437.2); c.1576C>T, p.Arg526Cys (NM_001374625.1); short protein forms R527C, R531C, R526C.
Identifiers: ClinVar variation 488166 (VCV000488166.53), dbSNP rs191525506, ClinGen allele CA6798810.

ClinVar aggregate classification (germline): Conflicting classifications of pathogenicity. Review status: criteria provided, conflicting classifications (1 of 4 stars). 8 submissions from 6 submitters: Uncertain significance (6); Likely benign (2). Last evaluated 2026-01-08.

Conditions:
Noonan syndrome 1 (NS1). Also called: FEMALE PSEUDO-TURNER SYNDROME; PTPN11-Related Noonan Syndrome; TURNER PHENOTYPE WITH NORMAL KARYOTYPE. Identifiers: Orphanet 648, MedGen C4551602, MONDO:0008104, OMIM 163950. Disease mechanism: gain of function.
Metachondromatosis (METCDS). Identifiers: Orphanet 2499, MedGen C0410530, MONDO:0007979, OMIM 156250.
LEOPARD syndrome 1 (LPRD1). Also called: MULTIPLE LENTIGINES SYNDROME; LENTIGINOSIS, CARDIOMYOPATHIC; PTPN11-Related LEOPARD Syndrome. Identifiers: Orphanet 500, MedGen C4551484, MONDO:0100082, OMIM 151100.
RASopathy. Also called: Noonan spectrum disorder; rasopathies. Identifiers: Orphanet 536391, MedGen C5555857, MONDO:0021060.
Cardiovascular phenotype. Identifiers: MedGen CN230736.

Allele frequency attached by ClinVar (database versions not stated): gnomAD exomes 0.00003 and 0.00007; ExAC 0.00008; 1000 Genomes Project 30x 0.00016; 1000 Genomes Project 0.00020; gnomAD 0.00001; TOPMed 0.00002.
gnomAD v4.1: 44 of 1,614,158 alleles (0.0027%); highest among the groups gnomAD compares: South Asian, 0.0066%; no homozygotes.

Submissions (8):

Labcorp Genetics (formerly Invitae), Labcorp
Classification: Likely benign for RASopathy. Last evaluated: 2026-01-08. Review status: criteria provided, single submitter. Criteria: Invitae Variant Classification Sherloc (09022015). Collection method: clinical testing. Allele origin: germline.

Ambry Genetics
Classification: Uncertain significance for Cardiovascular phenotype. Last evaluated: 2025-12-10. Review status: criteria provided, single submitter. Criteria: Ambry Variant Classification Scheme 2023. Collection method: clinical testing. Allele origin: germline.
Comment: The p.R527C variant (also known as c.1579C>T), located in coding exon 13 of the PTPN11 gene, results from a C to T substitution at nucleotide position 1579. The arginine at codon 527 is replaced by cysteine, an amino acid with highly dissimilar properties. This amino acid position is highly conserved in available vertebrate species. In addition, this alteration is predicted to be tolerated by in silico analysis. Since supporting evidence is limited at this time, the clinical significance of this alteration remains unclear.

Mayo Clinic Laboratories, Mayo Clinic
Classification: Uncertain significance. Last evaluated: 2022-08-10. Review status: criteria provided, single submitter. Criteria: ACMG Guidelines, 2015. Collection method: clinical testing. Allele origin: germline. Observed: 2 variant alleles.
Comment: BP4

Women's Health and Genetics/Laboratory Corporation of America, LabCorp
Classification: Likely benign. Last evaluated: 2022-03-21. Review status: criteria provided, single submitter. Criteria: LabCorp Variant Classification Summary - May 2015. Collection method: clinical testing. Allele origin: germline.
Comment: Variant summary: PTPN11 c.1579C>T (p.Arg527Cys) results in a non-conservative amino acid change in the encoded protein sequence. Three of five in-silico tools predict a benign effect of the variant on protein function. The variant allele was found at a frequency of 7.2e-05 in 251466 control chromosomes (gnomAD). The observed variant frequency is approximately 1.15 fold of the estimated maximal expected allele frequency for a pathogenic variant in PTPN11 causing Noonan Syndrome phenotype (6.3e-05), suggesting that the variant is benign. To our knowledge c.1579C>T has not been reported in the literature in individuals affected with Noonan Syndrome and no experimental evidence demonstrating an impact on protein function has been reported. Three clinical diagnostic laboratories have submitted clinical-significance assessments for this variant to ClinVar after 2014 and classified the variant as VUS (n=2) and likely benign (n=1). Based on the evidence outlined above, the variant was classified as likely benign.

CeGaT Center for Human Genetics Tuebingen
Classification: Uncertain significance. Last evaluated: 2019-08-01. Review status: criteria provided, single submitter. Criteria: CeGaT Center For Human Genetics Tuebingen Variant Classification Criteria Version 2. Collection method: clinical testing. Allele origin: germline. Affected: yes. Observed: 2 variant alleles.

Phosphorus, Inc.
Classification: Uncertain significance for LEOPARD syndrome 1. Last evaluated: 2017-08-01. Review status: criteria provided, single submitter. Criteria: ACMG Guidelines, 2015. Collection method: clinical testing. Allele origin: germline. Observed: 1 variant allele.

Phosphorus, Inc.
Classification: Uncertain significance for Metachondromatosis. Last evaluated: 2017-08-01. Review status: criteria provided, single submitter. Criteria: ACMG Guidelines, 2015. Collection method: clinical testing. Allele origin: germline. Observed: 1 variant allele.

Phosphorus, Inc.
Classification: Uncertain significance for Noonan syndrome 1. Last evaluated: 2017-08-01. Review status: criteria provided, single submitter. Criteria: ACMG Guidelines, 2015. Collection method: clinical testing. Allele origin: germline. Observed: 1 variant allele.

Literature cited by the submitters: PubMed 27149842 (cited by Women's Health and Genetics/Laboratory Corporation of America, LabCorp).